The following is an entry in ClinVar:

ClinVar aggregate classification (germline): Conflicting classifications of pathogenicity. Review status: criteria provided, conflicting classifications (1 of 4 stars). 2 submissions from 2 submitters: Pathogenic (1); Uncertain significance (1). Last evaluated 2023-07-17.

Conditions:
Intellectual developmental disorder, autosomal dominant 57. Also called: MENTAL RETARDATION, AUTOSOMAL DOMINANT 57; Intellectual disability, autosomal dominant 57. Identifiers: MedGen C4748003, MONDO:0054837, OMIM 618050.

Submissions (2):

GeneDx
Classification: Pathogenic. Last evaluated: 2023-07-17. Review status: criteria provided, single submitter. Criteria: GeneDx Variant Classification Process June 2021. Collection method: clinical testing. Allele origin: germline. Affected: yes.
Comment: Not observed at significant frequency in large population cohorts (gnomAD); This variant is associated with the following publications: (PMID: 34821460, 29861108)

SIB Swiss Institute of Bioinformatics
Classification: Uncertain significance for Intellectual developmental disorder, autosomal dominant 57. Last evaluated: 2018-10-15. Review status: criteria provided, single submitter. Criteria: ACMG Guidelines, 2015. Collection method: curation. Allele origin: unknown.
Comment: This variant is interpreted as Uncertain Significance - Insufficient Evidence, for Mental retardation, autosomal dominant 57. The following ACMG Tag(s) were applied: PM2 => Absent from controls (or at extremely low frequency if recessive) in Exome Sequencing Project, 1000 Genomes Project, or Exome Aggregation Consortium. PP3 => Multiple lines of computational evidence support a deleterious effect on the gene or gene product. PM6 => Assumed de novo, but without confirmation of paternity and maternity (PubMed 29861108).

Literature cited by the submitters: PubMed 29861108 (cited by SIB Swiss Institute of Bioinformatics).

NM_006852.6(TLK2):c.1016G>A (p.Arg339Gln)

Gene: TLK2 (tousled like kinase 2; plus strand). Cytogenetic location: 17q23.2.
Variant type: single nucleotide variant.
Coding change: c.1016G>A on transcript NM_006852.6 (MANE Select); coding-DNA position 1016, G replaced by A.
Protein change: p.Arg339Gln; replaces arginine 339 with glutamine.
Molecular consequence: missense variant.
Genome position (GRCh38, 1-based): chr17:62,573,262, G>A. VCF-style: chr17-62573262-G-A. GRCh37 (hg19) VCF-style: chr17-60650623-G-A.
Other names: c.1016G>A (NM_006852.3); c.1016G>A, p.Arg339Gln (NM_001284333.3, NM_001375270.1, NM_001375271.1); c.920G>A, p.Arg307Gln (NM_001284363.1, NM_001375272.1); c.569G>A, p.Arg190Gln (NM_001330418.3, NM_001375273.1); c.1058G>A, p.Arg353Gln (NM_001375269.1); short protein forms R190Q, R307Q, R339Q, R353Q.
Identifiers: ClinVar variation 617916 (VCV000617916.2), dbSNP rs1567948287, ClinGen allele CA400501331.